The following is an entry in ClinVar:

NM_001378120.1(MBD5):c.2173G>T (p.Ala725Ser)

Gene: MBD5 (methyl-CpG binding domain protein 5; plus strand). Cytogenetic location: 2q23.1.
Variant type: single nucleotide variant.
Coding change: c.2173G>T on transcript NM_001378120.1 (MANE Select); coding-DNA position 2173, G replaced by T.
Protein change: p.Ala725Ser; replaces alanine 725 with serine.
Molecular consequence: missense variant.
Genome position (GRCh38, 1-based): chr2:148,470,116, G>T. VCF-style: chr2-148470116-G-T. GRCh37 (hg19) VCF-style: chr2-149227685-G-T.
Other names: c.2173G>T, p.Ala725Ser (NM_018328.5); short protein forms A725S.
Identifiers: ClinVar variation 211436 (VCV000211436.10), dbSNP rs747127657, ClinGen allele CA206659.

ClinVar aggregate classification (germline): Uncertain significance. Review status: criteria provided, multiple submitters, no conflicts (2 of 4 stars). 2 submissions from 2 submitters: Uncertain significance (2). Last evaluated 2025-10-07.

Conditions:
Intellectual developmental disorder, autosomal dominant 1. Also called: Intellectual disability, autosomal dominant 1; MBD5 Haploinsufficiency. Identifiers: Orphanet 228402, MedGen C1969562, MONDO:0007974, OMIM 156200.

Allele frequency attached by ClinVar (database versions not stated): gnomAD 0.00001 and 0.00002; TOPMed 0.00001.
gnomAD v4.1: 87 of 1,613,702 alleles (0.0054%); highest among the groups gnomAD compares: East Asian, 0.013%; no homozygotes.

Submissions (2):

Labcorp Genetics (formerly Invitae), Labcorp
Classification: Uncertain significance for Intellectual developmental disorder, autosomal dominant 1. Last evaluated: 2025-10-07. Review status: criteria provided, single submitter. Criteria: Invitae Variant Classification Sherloc (09022015). Collection method: clinical testing. Allele origin: germline.
Comment: This sequence change replaces alanine, which is neutral and non-polar, with serine, which is neutral and polar, at codon 725 of the MBD5 protein (p.Ala725Ser). This variant is present in population databases (rs747127657, gnomAD 0.004%). This variant has not been reported in the literature in individuals affected with MBD5-related conditions. ClinVar contains an entry for this variant (Variation ID: 211436). Invitae Evidence Modeling of protein sequence and biophysical properties (such as structural, functional, and spatial information, amino acid conservation, physicochemical variation, residue mobility, and thermodynamic stability) indicates that this missense variant is not expected to disrupt MBD5 protein function with a negative predictive value of 80%. In summary, the available evidence is currently insufficient to determine the role of this variant in disease. Therefore, it has been classified as a Variant of Uncertain Significance.

Genetic Services Laboratory, University of Chicago
Classification: Uncertain significance. Last evaluated: 2014-05-02. Review status: criteria provided, single submitter. Criteria: ACMG Guidelines, 2015. Collection method: clinical testing. Allele origin: germline.